The following is an entry in ClinVar:

NM_203447.4(DOCK8):c.5337C>A (p.Phe1779Leu)

Gene: DOCK8 (dedicator of cytokinesis 8; plus strand). Cytogenetic location: 9p24.3.
Variant type: single nucleotide variant.
Coding change: c.5337C>A on transcript NM_203447.4 (MANE Select); coding-DNA position 5337, C replaced by A.
Protein change: p.Phe1779Leu; replaces phenylalanine 1779 with leucine.
Molecular consequence: missense variant.
Genome position (GRCh38, 1-based): chr9:441,399, C>A. VCF-style: chr9-441399-C-A. GRCh37 (hg19) VCF-style: chr9-441399-C-A.
Other names: c.5037C>A, p.Phe1679Leu (NM_001190458.2); c.5133C>A, p.Phe1711Leu (NM_001193536.2); short protein forms F1679L, F1711L, F1779L.
Identifiers: ClinVar variation 1305819 (VCV001305819.2), dbSNP rs149082704, ClinGen allele CA372768174.

ClinVar aggregate classification (germline): Uncertain significance (1 of 4 stars; one submission).

gnomAD v4.1: 11 of 1,614,214 alleles (0.00068%); highest among the groups gnomAD compares: Non-Finnish European, 0.00093%; no homozygotes.

Submission:

GeneDx
Classification: Uncertain significance. Last evaluated: 2019-05-09. Review status: criteria provided, single submitter. Criteria: GeneDx Variant Classification Process June 2021. Collection method: clinical testing. Allele origin: germline. Affected: yes.
Comment: Not observed in large population cohorts (Lek et al., 2016); In silico analysis, which includes protein predictors and evolutionary conservation, supports a deleterious effect; Has not been previously published as pathogenic or benign to our knowledge